The following is an entry in ClinVar:

ClinVar aggregate classification (germline): Uncertain significance (1 of 4 stars; one submission).

Conditions:
ADCY3-related disorder. Also called: ADCY3-related condition.

gnomAD v4.1: 4 of 1,613,404 alleles (0.00025%); highest among the groups gnomAD compares: Non-Finnish European, 0.00034%; no homozygotes.

Submission:

PreventionGenetics, part of Exact Sciences
Classification: Uncertain significance for ADCY3-related condition. Last evaluated: 2026-03-22. Review status: criteria provided, single submitter. Criteria: ACMG Guidelines, 2015. Collection method: clinical testing. Allele origin: germline.
Comment: The ADCY3 c.1673C>A variant is predicted to result in the amino acid substitution p.Pro558His. To our knowledge, this variant has not been reported in the literature. This variant is reported in 0.00089% of alleles in individuals of European (Non-Finnish) descent in gnomAD. At this time, the clinical significance of this variant is uncertain due to the absence of conclusive functional and genetic evidence.

NM_004036.5(ADCY3):c.1673C>A (p.Pro558His)

Gene: ADCY3 (adenylate cyclase 3; minus strand). Cytogenetic location: 2p23.3.
Variant type: single nucleotide variant.
Coding change: c.1673C>A on transcript NM_004036.5 (MANE Select); coding-DNA position 1673, C replaced by A.
Protein change: p.Pro558His; replaces proline 558 with histidine.
Molecular consequence: missense variant.
Genome position (GRCh38, 1-based): chr2:24,834,926, G>T on the plus strand (C>A on the coding strand, the complement: ADCY3 is on the minus strand). VCF-style: chr2-24834926-G-T. GRCh37 (hg19) VCF-style: chr2-25057795-G-T.
Other names: c.1673C>A, p.Pro558His (NM_001320613.2, NM_001377129.1, NM_001377130.1 and 1 more transcripts); c.1739C>A, p.Pro580His (NM_001377128.1); c.950C>A, p.Pro317His (NM_001377131.1); short protein forms P317H, P580H, P558H.
Identifiers: ClinVar variation 4988886 (VCV004988886.1).